The following is an entry in ClinVar:

NM_032608.7(MYO18B):c.5818A>G (p.Lys1940Glu)

Gene: MYO18B (myosin XVIIIB; plus strand). Cytogenetic location: 22q12.1.
Variant type: single nucleotide variant.
Coding change: c.5818A>G on transcript NM_032608.7 (MANE Select); coding-DNA position 5818, A replaced by G.
Protein change: p.Lys1940Glu; replaces lysine 1940 with glutamic acid.
Molecular consequence: missense variant.
Genome position (GRCh38, 1-based): chr22:25,950,436, A>G. VCF-style: chr22-25950436-A-G. GRCh37 (hg19) VCF-style: chr22-26346402-A-G.
Other names: c.5818A>G (NM_032608.5, NM_032608.6); c.5821A>G, p.Lys1941Glu (NM_001318245.2); short protein forms K1940E, K1941E.
Identifiers: ClinVar variation 1450824 (VCV001450824.6), dbSNP rs777219061, ClinGen allele CA10161287.

ClinVar aggregate classification (germline): Uncertain significance. Review status: criteria provided, multiple submitters, no conflicts (2 of 4 stars). 3 submissions from 3 submitters: Uncertain significance (3). Last evaluated 2026-06-10.

Conditions:
Inborn genetic diseases. Identifiers: MedGen C0950123, MeSH D030342.
MYO18B-related disorder. Also called: MYO18B-related condition.

Allele frequency attached by ClinVar (database versions not stated): ExAC 0.00001; gnomAD 0.00001; gnomAD exomes 0.00001 and 0.00005; TOPMed 0.00002.
gnomAD v4.1: 21 of 1,604,542 alleles (0.0013%); highest among the groups gnomAD compares: Admixed American, 0.036%; no homozygotes.

Submissions (3):

PreventionGenetics, part of Exact Sciences
Classification: Uncertain significance for MYO18B-related condition. Last evaluated: 2026-06-10. Review status: criteria provided, single submitter. Criteria: ACMG Guidelines, 2015. Collection method: clinical testing. Allele origin: germline.
Comment: The MYO18B c.5818A>G variant is predicted to result in the amino acid substitution p.Lys1940Glu. To our knowledge, this variant has not been reported in the literature. This variant is reported in 0.033% of alleles in individuals of Latino descent in gnomAD. At this time, the clinical significance of this variant is uncertain due to the absence of conclusive functional and genetic evidence.

Labcorp Genetics (formerly Invitae), Labcorp
Classification: Uncertain significance. Last evaluated: 2025-09-02. Review status: criteria provided, single submitter. Criteria: Invitae Variant Classification Sherloc (09022015). Collection method: clinical testing. Allele origin: germline.
Comment: This sequence change replaces lysine, which is basic and polar, with glutamic acid, which is acidic and polar, at codon 1940 of the MYO18B protein (p.Lys1940Glu). This variant is present in population databases (rs777219061, gnomAD 0.03%). This variant has not been reported in the literature in individuals affected with MYO18B-related conditions. ClinVar contains an entry for this variant (Variation ID: 1450824). An algorithm developed to predict the effect of missense changes on protein structure and function (PolyPhen-2) suggests that this variant is likely to be tolerated. In summary, the available evidence is currently insufficient to determine the role of this variant in disease. Therefore, it has been classified as a Variant of Uncertain Significance.

Ambry Genetics
Classification: Uncertain significance for Inborn genetic diseases. Last evaluated: 2024-09-27. Review status: criteria provided, single submitter. Criteria: Ambry Variant Classification Scheme 2023. Collection method: clinical testing. Allele origin: germline.